The following is an entry in ClinVar:

NM_016222.4(DDX41):c.836A>G (p.Tyr279Cys)

Gene: DDX41 (DEAD-box helicase 41; minus strand). Cytogenetic location: 5q35.3.
Variant type: single nucleotide variant.
Coding change: c.836A>G on transcript NM_016222.4 (MANE Select); coding-DNA position 836, A replaced by G.
Protein change: p.Tyr279Cys; replaces tyrosine 279 with cysteine.
Molecular consequence: missense variant.
Genome position (GRCh38, 1-based): chr5:177,514,800, T>C on the plus strand (A>G on the coding strand, the complement: DDX41 is on the minus strand). VCF-style: chr5-177514800-T-C. GRCh37 (hg19) VCF-style: chr5-176941801-T-C.
Other names: c.458A>G, p.Tyr153Cys (NM_001321732.2, NM_001321830.2); short protein forms Y279C, Y153C.
Identifiers: ClinVar variation 4010385 (VCV004010385.1).

ClinVar aggregate classification (germline): Uncertain significance (1 of 4 stars; one submission).

Conditions:
Inborn genetic diseases. Identifiers: MedGen C0950123, MeSH D030342.

Submission:

Ambry Genetics
Classification: Uncertain significance for Inborn genetic diseases. Last evaluated: 2025-06-12. Review status: criteria provided, single submitter. Criteria: Ambry Variant Classification Scheme 2023. Collection method: clinical testing. Allele origin: germline.
Comment: The p.Y279C variant (also known as c.836A>G), located in coding exon 9 of the DDX41 gene, results from an A to G substitution at nucleotide position 836. The tyrosine at codon 279 is replaced by cysteine, an amino acid with highly dissimilar properties. This amino acid position is conserved. In addition, the in silico prediction for this alteration is inconclusive. Based on the available evidence, the clinical significance of this variant remains unclear.